The following is an entry in ClinVar:

ClinVar aggregate classification (germline): Uncertain significance (1 of 4 stars; one submission).

Allele frequency attached by ClinVar (database versions not stated): gnomAD exomes below 0.00001 and 0.00001.
gnomAD v4.1: 2 of 1,614,046 alleles (0.00012%); highest among the groups gnomAD compares: Admixed American, 0.0033%; no homozygotes.

Submission:

Labcorp Genetics (formerly Invitae), Labcorp
Classification: Uncertain significance. Last evaluated: 2022-11-01. Review status: criteria provided, single submitter. Criteria: Invitae Variant Classification Sherloc (09022015). Collection method: clinical testing. Allele origin: germline.
Comment: This variant has not been reported in the literature in individuals affected with COL9A1-related conditions. This variant is present in population databases (no rsID available, gnomAD 0.006%). This sequence change replaces threonine, which is neutral and polar, with isoleucine, which is neutral and non-polar, at codon 193 of the COL9A1 protein (p.Thr193Ile). ClinVar contains an entry for this variant (Variation ID: 1515488). In summary, the available evidence is currently insufficient to determine the role of this variant in disease. Therefore, it has been classified as a Variant of Uncertain Significance. Advanced modeling of protein sequence and biophysical properties (such as structural, functional, and spatial information, amino acid conservation, physicochemical variation, residue mobility, and thermodynamic stability) performed at Invitae indicates that this missense variant is not expected to disrupt COL9A1 protein function.

NM_001851.6(COL9A1):c.578C>T (p.Thr193Ile)

Gene: COL9A1 (collagen type IX alpha 1 chain; minus strand). Cytogenetic location: 6q13.
Variant type: single nucleotide variant.
Coding change: c.578C>T on transcript NM_001851.6 (MANE Select); coding-DNA position 578, C replaced by T.
Protein change: p.Thr193Ile; replaces threonine 193 with isoleucine.
Molecular consequence: missense variant.
Genome position (GRCh38, 1-based): chr6:70,294,285, G>A on the plus strand (C>T on the coding strand, the complement: COL9A1 is on the minus strand). VCF-style: chr6-70294285-G-A. GRCh37 (hg19) VCF-style: chr6-71003988-G-A.
Other names: c.578C>T, p.Thr193Ile (NM_001377291.1); short protein forms T193I.
Identifiers: ClinVar variation 1515488 (VCV001515488.6), dbSNP rs1366088068, ClinGen allele CA364670874.